The following is an entry in ClinVar:

NM_024548.4(CEP97):c.2102C>T (p.Ser701Phe)

Gene: CEP97 (centrosomal protein 97; plus strand). Cytogenetic location: 3q12.3.
Variant type: single nucleotide variant.
Coding change: c.2102C>T on transcript NM_024548.4 (MANE Select); coding-DNA position 2102, C replaced by T.
Protein change: p.Ser701Phe; replaces serine 701 with phenylalanine.
Molecular consequence: missense variant.
Genome position (GRCh38, 1-based): chr3:101,765,055, C>T. VCF-style: chr3-101765055-C-T. GRCh37 (hg19) VCF-style: chr3-101483899-C-T.
Other names: c.1925C>T, p.Ser642Phe (NM_001303401.2); c.2000C>T, p.Ser667Phe (NM_001410784.1); c.1823C>T, p.Ser608Phe (NM_001410785.1); short protein forms S667F, S608F, S642F, S701F.
Identifiers: ClinVar variation 2398119 (VCV002398119.6), dbSNP rs368747293, ClinGen allele CA2522270.

ClinVar aggregate classification (germline): Uncertain significance. Review status: criteria provided, multiple submitters, no conflicts (2 of 4 stars). 2 submissions from 2 submitters: Uncertain significance (2). Last evaluated 2025-12-01.

Allele frequency attached by ClinVar (database versions not stated): gnomAD 0.00014; ESP Exome Variant Server 0.00015; ExAC 0.00005; TOPMed 0.00012.
gnomAD v4.1: 348 of 1,614,010 alleles (0.022%); highest among the groups gnomAD compares: Non-Finnish European, 0.028%; no homozygotes.

Submissions (2):

Labcorp Genetics (formerly Invitae), Labcorp
Classification: Uncertain significance. Last evaluated: 2025-12-01. Review status: criteria provided, single submitter. Criteria: Invitae Variant Classification Sherloc (09022015). Collection method: clinical testing. Allele origin: germline.
Comment: This sequence change replaces serine, which is neutral and polar, with phenylalanine, which is neutral and non-polar, at codon 701 of the CEP97 protein (p.Ser701Phe). This variant is present in population databases (rs368747293, gnomAD 0.02%). This variant has not been reported in the literature in individuals affected with CEP97-related conditions. ClinVar contains an entry for this variant (Variation ID: 2398119). Invitae Evidence Modeling of protein sequence and biophysical properties (such as structural, functional, and spatial information, amino acid conservation, physicochemical variation, residue mobility, and thermodynamic stability) indicates that this missense variant is expected to disrupt CEP97 protein function with a positive predictive value of 80%. In summary, the available evidence is currently insufficient to determine the role of this variant in disease. Therefore, it has been classified as a Variant of Uncertain Significance.

Ambry Genetics
Classification: Uncertain significance. Last evaluated: 2024-06-28. Review status: criteria provided, single submitter. Criteria: Ambry Variant Classification Scheme 2023. Collection method: clinical testing. Allele origin: germline.